The following is an entry in ClinVar:

NM_015909.4(NBAS):c.1194_1195del (p.Asp398fs)

Gene: NBAS (NBAS subunit of NRZ tethering complex; minus strand). Cytogenetic location: 2p24.3.
Variant type: Deletion.
Coding change: c.1194_1195del on transcript NM_015909.4 (MANE Select); coding-DNA positions 1194 to 1195, 2 bases deleted (CA; older notation c.1194_1195delCA).
Protein change: p.Asp398fs; shifts the reading frame from aspartic acid 398.
Molecular consequence: frameshift variant. On other transcripts: non-coding transcript variant (1).
Genome position (GRCh38, 1-based): chr2:15,475,833-15,475,834, TG deleted on the plus strand (CA on the coding strand, the reverse complement: NBAS is on the minus strand); deleting any 2 consecutive bases within chr2:15,475,833-15,475,835 gives the same sequence; the c. name uses the placement nearest the transcript's 3' end. VCF-style (leftmost placement, unchanged base first): chr2-15475832-CTG-C. GRCh37 (hg19) VCF-style: chr2-15615956-CTG-C.
Other names: short protein forms D398fs.
Identifiers: ClinVar variation 3544478 (VCV003544478.1).

ClinVar aggregate classification (germline): Pathogenic (1 of 4 stars; one submission).

Conditions:
Leber congenital amaurosis (LCA). Also called: Leber's amaurosis. Identifiers: Orphanet 65, MedGen C0339527, MeSH D057130, MONDO:0018998.

Submission:

Lab De Baere, Eye and Developmental Genetics Lab, Ghent University
Classification: Pathogenic for Leber congenital amaurosis. Last evaluated: 2024-10-01. Review status: criteria provided, single submitter. Criteria: ACMG Guidelines, 2015. Collection method: research. Allele origin: inherited. Affected: yes. Observed: 1 variant allele.
Comment: ACMG/AMP guidelines: PM2, PVS1